The following is an entry in ClinVar:

NM_002693.3(POLG):c.1885G>C (p.Asp629His)

Gene: POLG (DNA polymerase gamma, catalytic subunit; minus strand). Cytogenetic location: 15q26.1.
Variant type: single nucleotide variant.
Coding change: c.1885G>C on transcript NM_002693.3 (MANE Select); coding-DNA position 1885, G replaced by C.
Protein change: p.Asp629His; replaces aspartic acid 629 with histidine.
Molecular consequence: missense variant.
Genome position (GRCh38, 1-based): chr15:89,325,514, C>G on the plus strand (G>C on the coding strand, the complement: POLG is on the minus strand). VCF-style: chr15-89325514-C-G. GRCh37 (hg19) VCF-style: chr15-89868745-C-G.
Other names: c.1885G>C, p.Asp629His (NM_001126131.2); short protein forms D629H.
Identifiers: ClinVar variation 458699 (VCV000458699.9), dbSNP rs1555453424, ClinGen allele CA393759155.

ClinVar aggregate classification (germline): Uncertain significance (1 of 4 stars; one submission).

Conditions:
Progressive sclerosing poliodystrophy (MTDPS4A). Also called: NEURONAL DEGENERATION OF CHILDHOOD WITH LIVER DISEASE, PROGRESSIVE; ALPERS PROGRESSIVE INFANTILE POLIODYSTROPHY; Alpers-Huttenlocher Syndrome (AHS); Mitochondrial DNA depletion syndrome 4A (Alpers type); Mitochondrial DNA Depletion Syndrome 4A; Alpers Syndrome. Identifiers: Orphanet 726, MedGen C0205710, MONDO:0008758, OMIM 203700.

Submission:

Labcorp Genetics (formerly Invitae), Labcorp
Classification: Uncertain significance for Progressive sclerosing poliodystrophy. Last evaluated: 2025-04-21. Review status: criteria provided, single submitter. Criteria: Invitae Variant Classification Sherloc (09022015). Collection method: clinical testing. Allele origin: germline.
Comment: This sequence change replaces aspartic acid, which is acidic and polar, with histidine, which is basic and polar, at codon 629 of the POLG protein (p.Asp629His). This variant is not present in population databases (gnomAD no frequency). This variant has not been reported in the literature in individuals affected with POLG-related conditions. ClinVar contains an entry for this variant (Variation ID: 458699). Invitae Evidence Modeling of protein sequence and biophysical properties (such as structural, functional, and spatial information, amino acid conservation, physicochemical variation, residue mobility, and thermodynamic stability) indicates that this missense variant is expected to disrupt POLG protein function with a positive predictive value of 95%. In summary, the available evidence is currently insufficient to determine the role of this variant in disease. Therefore, it has been classified as a Variant of Uncertain Significance.